The following is an entry in ClinVar:

ClinVar aggregate classification (germline): Uncertain significance (1 of 4 stars; one submission).

Conditions:
Kabuki syndrome 2 (KABUK2). Also called: KDM6A-Related Kabuki Syndrome. Identifiers: Orphanet 2322, MedGen C3275495, MONDO:0010465, OMIM 300867.

gnomAD v4.1: 2 of 1,207,248 alleles (0.00017%); highest among the groups gnomAD compares: Middle Eastern, 0.046%; no homozygotes.

Submission:

Labcorp Genetics (formerly Invitae), Labcorp
Classification: Uncertain significance for Kabuki syndrome 2. Last evaluated: 2024-02-16. Review status: criteria provided, single submitter. Criteria: Invitae Variant Classification Sherloc (09022015). Collection method: clinical testing. Allele origin: germline.
Comment: This sequence change replaces arginine, which is basic and polar, with proline, which is neutral and non-polar, at codon 519 of the KDM6A protein (p.Arg519Pro). This variant is not present in population databases (gnomAD no frequency). This variant has not been reported in the literature in individuals affected with KDM6A-related conditions. ClinVar contains an entry for this variant (Variation ID: 1417214). Advanced modeling of protein sequence and biophysical properties (such as structural, functional, and spatial information, amino acid conservation, physicochemical variation, residue mobility, and thermodynamic stability) performed at Invitae indicates that this missense variant is not expected to disrupt KDM6A protein function with a negative predictive value of 80%. In summary, the available evidence is currently insufficient to determine the role of this variant in disease. Therefore, it has been classified as a Variant of Uncertain Significance.

NM_001291415.2(KDM6A):c.1712G>C (p.Arg571Pro)

Gene: KDM6A (lysine demethylase 6A; plus strand). Cytogenetic location: Xp11.3.
Variant type: single nucleotide variant.
Coding change: c.1712G>C on transcript NM_001291415.2 (MANE Select); coding-DNA position 1712, G replaced by C.
Protein change: p.Arg571Pro; replaces arginine 571 with proline.
Molecular consequence: missense variant. On other transcripts: non-coding transcript variant (1).
Genome position (GRCh38, 1-based): chrX:45,063,450, G>C. VCF-style: chrX-45063450-G-C. GRCh37 (hg19) VCF-style: chrX-44922695-G-C.
Other names: c.1577G>C, p.Arg526Pro (NM_001291416.2); c.1421G>C, p.Arg474Pro (NM_001291417.2); c.1319G>C, p.Arg440Pro (NM_001291418.2); c.668G>C, p.Arg223Pro (NM_001291421.2); c.1556G>C, p.Arg519Pro (NM_021140.4); short protein forms R474P, R223P, R519P, R440P, R571P, R526P.
Identifiers: ClinVar variation 1417214 (VCV001417214.8), dbSNP rs1459042930, ClinGen allele CA412787642.